The following is an entry in ClinVar:

NM_024675.4(PALB2):c.1160C>T (p.Ser387Phe)

Gene: PALB2 (partner and localizer of BRCA2; minus strand). Cytogenetic location: 16p12.2.
Variant type: single nucleotide variant.
Coding change: c.1160C>T on transcript NM_024675.4 (MANE Select); coding-DNA position 1160, C replaced by T.
Protein change: p.Ser387Phe; replaces serine 387 with phenylalanine.
Molecular consequence: missense variant.
Genome position (GRCh38, 1-based): chr16:23,635,386, G>A on the plus strand (C>T on the coding strand, the complement: PALB2 is on the minus strand). VCF-style: chr16-23635386-G-A. GRCh37 (hg19) VCF-style: chr16-23646707-G-A.
Other names: short protein forms S387F.
Identifiers: ClinVar variation 141593 (VCV000141593.25), dbSNP rs587781863, ClinGen allele CA165882.

ClinVar aggregate classification (germline): Uncertain significance. Review status: criteria provided, multiple submitters, no conflicts (2 of 4 stars). 5 submissions from 5 submitters: Uncertain significance (5). Last evaluated 2025-10-18.

Conditions:
Hereditary cancer-predisposing syndrome. Also called: Neoplastic Syndromes, Hereditary; Tumor predisposition; Hereditary Cancer Syndrome; Hereditary neoplastic syndrome. Identifiers: Orphanet 140162, MedGen C0027672, MeSH D009386, MONDO:0015356.
Familial cancer of breast. Also called: BREAST CANCER, FAMILIAL; Hereditary breast cancer; hereditary breast carcinoma. Identifiers: Orphanet 227535, MedGen C0346153, MONDO:0016419, OMIM 114480. Disease mechanism: loss of function.

gnomAD v4.1: 1 of 1,614,042 alleles (0.000062%); highest among the groups gnomAD compares: Non-Finnish European, 0.000085%; no homozygotes.

Submissions (5):

Labcorp Genetics (formerly Invitae), Labcorp
Classification: Uncertain significance for Familial cancer of breast. Last evaluated: 2025-10-18. Review status: criteria provided, single submitter. Criteria: Invitae Variant Classification Sherloc (09022015). Collection method: clinical testing. Allele origin: germline.
Comment: This sequence change replaces serine, which is neutral and polar, with phenylalanine, which is neutral and non-polar, at codon 387 of the PALB2 protein (p.Ser387Phe). This variant is not present in population databases (gnomAD no frequency). This variant has not been reported in the literature in individuals affected with PALB2-related conditions. ClinVar contains an entry for this variant (Variation ID: 141593). Invitae Evidence Modeling of protein sequence and biophysical properties (such as structural, functional, and spatial information, amino acid conservation, physicochemical variation, residue mobility, and thermodynamic stability) indicates that this missense variant is expected to disrupt PALB2 protein function with a positive predictive value of 80%. In summary, the available evidence is currently insufficient to determine the role of this variant in disease. Therefore, it has been classified as a Variant of Uncertain Significance.

Ambry Genetics
Classification: Uncertain significance for Hereditary cancer-predisposing syndrome. Last evaluated: 2025-09-26. Review status: criteria provided, single submitter. Criteria: Ambry Variant Classification Scheme 2023. Collection method: clinical testing. Allele origin: germline.
Comment: The p.S387F variant (also known as c.1160C>T), located in coding exon 4 of the PALB2 gene, results from a C to T substitution at nucleotide position 1160. The serine at codon 387 is replaced by phenylalanine, an amino acid with highly dissimilar properties. This amino acid position is not well conserved in available vertebrate species. In addition, this alteration is predicted to be tolerated by in silico analysis. Since supporting evidence is limited at this time, the clinical significance of this alteration remains unclear.

Quest Diagnostics Nichols Institute San Juan Capistrano
Classification: Uncertain significance. Last evaluated: 2025-03-07. Review status: criteria provided, single submitter. Criteria: Quest Diagnostics criteria. Collection method: clinical testing. Allele origin: unknown.
Comment: The PALB2 c.1160C>T (p.Ser387Phe) variant has been reported in the published literature in the somatic state in an individual with lung cancer (PMID: 37071497 (2023)), and to the best of our knowledge, has not been reported in the germline state. This variant has also not been reported in large, multi-ethnic general populations (Genome Aggregation Database). Analysis of this variant using bioinformatics tools for the prediction of the effect of amino acid changes on protein structure and function yielded conflicting predictions that this variant is benign or damaging. Based on the available information, we are unable to determine the clinical significance of this variant.

Color Diagnostics, LLC DBA Color Health
Classification: Uncertain significance for Hereditary cancer-predisposing syndrome. Last evaluated: 2024-02-20. Review status: criteria provided, single submitter. Criteria: ACMG Guidelines, 2015. Collection method: clinical testing. Allele origin: germline.
Comment: This missense variant replaces serine with phenylalanine at codon 387 of the PALB2 protein. Computational prediction suggests that this variant may not impact protein structure and function. To our knowledge, functional studies have not been reported for this variant. This variant has been detected in a breast cancer case-control meta-analysis in 1/60466 cases and 0/53461 unaffected individuals (PMID: 33471991; Leiden Open Variation Database DB-ID PALB2_010369). This variant has not been identified in the general population by the Genome Aggregation Database (gnomAD). The available evidence is insufficient to determine the role of this variant in disease conclusively. Therefore, this variant is classified as a Variant of Uncertain Significance.

Baylor Genetics
Classification: Uncertain significance for Familial cancer of breast. Last evaluated: 2023-08-17. Review status: criteria provided, single submitter. Criteria: ACMG Guidelines, 2015. Collection method: clinical testing. Allele origin: unknown.

Literature cited by the submitters: PubMed 31819260 (cited by Quest Diagnostics Nichols Institute San Juan Capistrano); PubMed 37071497 (cited by Quest Diagnostics Nichols Institute San Juan Capistrano); PubMed 33471991 (cited by Color Diagnostics, LLC DBA Color Health).